The following is an entry in ClinVar:

NM_000243.3(MEFV):c.1089C>A (p.Ser363Arg)

Gene: MEFV (MEFV innate immunity regulator, pyrin; minus strand). Cytogenetic location: 16p13.3.
Variant type: single nucleotide variant.
Coding change: c.1089C>A on transcript NM_000243.3 (MANE Select); coding-DNA position 1089, C replaced by A.
Protein change: p.Ser363Arg; replaces serine 363 with arginine.
Molecular consequence: missense variant.
Genome position (GRCh38, 1-based): chr16:3,249,602, G>T on the plus strand (C>A on the coding strand, the complement: MEFV is on the minus strand). VCF-style: chr16-3249602-G-T. GRCh37 (hg19) VCF-style: chr16-3299602-G-T.
Other names: c.456C>A, p.Ser152Arg (NM_001198536.2); short protein forms S152R, S363R.
Identifiers: ClinVar variation 2428534 (VCV002428534.3), dbSNP rs104895170, ClinGen allele CA394470426.

ClinVar aggregate classification (germline): Uncertain significance (1 of 4 stars; one submission).

gnomAD v4.1: 6 of 1,614,024 alleles (0.00037%); highest among the groups gnomAD compares: Admixed American, 0.0017%; no homozygotes.

Submission:

ARUP Laboratories, Molecular Genetics and Genomics, ARUP Laboratories
Classification: Uncertain significance. Last evaluated: 2022-04-30. Review status: criteria provided, single submitter. Criteria: ARUP Molecular Germline Variant Investigation Process 2021. Collection method: clinical testing. Allele origin: germline.
Comment: The MEFV c.1089C>A; p.Ser363Arg variant (rs104895170), to our knowledge, is not reported in the medical literature or gene specific databases. This variant is also absent from general population databases (Exome Variant Server, Genome Aggregation Database), indicating it is not a common polymorphism. The serine at codon 363 is moderately conserved, and computational analyses are uncertain whether this variant is neutral or deleterious (REVEL: 0.192). Due to limited information, the clinical significance of the p.Ser363Arg variant is uncertain at this time.